The following is an entry in ClinVar:

ClinVar aggregate classification (germline): Uncertain significance (0 of 4 stars; one submission).

Conditions:
Prostate cancer. Also called: Malignant tumor of prostate. Identifiers: Orphanet 1331, MedGen C0376358, MONDO:0008315, HP:0012125.

Submission:

Science for Life laboratory,  Karolinska Institutet
Classification: Uncertain significance for Malignant tumor of prostate. Review status: no assertion criteria provided. Collection method: not provided. Allele origin: somatic.
Comment: TumorID:SWE-16
ClinVar note: Converted during submission from Unknown to Uncertain significance.

NM_020981.4(B3GALT1):c.543del (p.Phe181fs)

Genes: B3GALT1 (beta-1,3-galactosyltransferase 1; plus strand), B3GALT1-AS1 (B3GALT1 antisense RNA 1; minus strand). Cytogenetic location: 2q24.3.
Variant type: Deletion.
Coding change: c.543del on transcript NM_020981.4 (MANE Select); coding-DNA position 543, one base deleted (T; older notation c.543delT).
Protein change: p.Phe181fs; shifts the reading frame from phenylalanine 181.
Molecular consequence: frameshift variant.
Genome position (GRCh38, 1-based): chr2:167,869,582, T deleted; the last of 5 consecutive T bases (chr2:167,869,578-167,869,582); deleting any one gives the same sequence. VCF-style (leftmost placement, unchanged base first): chr2-167869577-AT-A. GRCh37 (hg19) VCF-style: chr2-168726087-AT-A.
Other names: c.539delT (NM_020981.3); short protein forms F181fs.
Identifiers: ClinVar variation 161742 (VCV000161742.2), dbSNP rs193920868, ClinGen allele CA174704.